The following is an entry in ClinVar:

ClinVar aggregate classification (germline): Uncertain significance (1 of 4 stars; one submission).

Allele frequency attached by ClinVar (database versions not stated): gnomAD exomes below 0.00001; TOPMed 0.00002.
gnomAD v4.1: 2 of 1,479,992 alleles (0.00014%); highest among the groups gnomAD compares: Non-Finnish European, 0.00018%; no homozygotes.

Submission:

Labcorp Genetics (formerly Invitae), Labcorp
Classification: Uncertain significance. Last evaluated: 2019-08-13. Review status: criteria provided, single submitter. Criteria: Invitae Variant Classification Sherloc (09022015). Collection method: clinical testing. Allele origin: germline.
Comment: This sequence change falls in intron 1 of the RXYLT1 gene. It does not directly change the encoded amino acid sequence of the RXYLT1 protein, but it affects a nucleotide within the consensus splice site of the intron. The frequency data for this variant in the population databases is considered unreliable, as metrics indicate insufficient coverage at this position in the ExAC database. This variant has not been reported in the literature in individuals with RXYLT1-related conditions. Nucleotide substitutions within the consensus splice site are a relatively common cause of aberrant splicing (PMID: 17576681, 9536098). Algorithms developed to predict the effect of sequence changes on RNA splicing suggest that this variant may disrupt the consensus splice site, but this prediction has not been confirmed by published transcriptional studies. In summary, the available evidence is currently insufficient to determine the role of this variant in disease. Therefore, it has been classified as a Variant of Uncertain Significance.

Literature cited by the submitters: PubMed 17576681; PubMed 9536098.

NM_014254.3(RXYLT1):c.169+5G>A

Gene: RXYLT1 (ribitol xylosyltransferase 1; plus strand). Cytogenetic location: 12q14.2.
Variant type: single nucleotide variant.
Coding change: c.169+5G>A on transcript NM_014254.3 (MANE Select); 5 bases into the intron after coding-DNA position 169, G replaced by A.
Molecular consequence: intron variant. On other transcripts: 5 prime UTR variant (1).
Genome position (GRCh38, 1-based): chr12:63,780,134, G>A. VCF-style: chr12-63780134-G-A. GRCh37 (hg19) VCF-style: chr12-64173914-G-A.
Other names: c.-940G>A (NM_001278237.2).
Identifiers: ClinVar variation 954286 (VCV000954286.5), dbSNP rs1045445614, ClinGen allele CA238223454.